The following is an entry in ClinVar:

ClinVar aggregate classification (germline): Pathogenic (1 of 4 stars; one submission).

Conditions:
Glycogen storage disease type III (GSD3). Also called: FORBES DISEASE; Cori disease. Identifiers: Orphanet 366, MedGen C0017922, MONDO:0009291, OMIM 232400.

Submission:

Labcorp Genetics (formerly Invitae), Labcorp
Classification: Pathogenic for Glycogen storage disease type III. Last evaluated: 2025-06-02. Review status: criteria provided, single submitter. Criteria: Invitae Variant Classification Sherloc (09022015). Collection method: clinical testing. Allele origin: germline.
Comment: This sequence change creates a premature translational stop signal (p.Lys755Argfs*21) in the AGL gene. It is expected to result in an absent or disrupted protein product. Loss-of-function variants in AGL are known to be pathogenic (PMID: 19299494). This variant is not present in population databases (gnomAD no frequency). This variant has not been reported in the literature in individuals affected with AGL-related conditions. For these reasons, this variant has been classified as Pathogenic.

Literature cited by the submitters: PubMed 19299494.

NM_000642.3(AGL):c.2262del (p.Lys755fs)

Gene: AGL (amylo-alpha-1,6-glucosidase and 4-alpha-glucanotransferase; plus strand). Cytogenetic location: 1p21.2.
Variant type: Deletion.
Coding change: c.2262del on transcript NM_000642.3 (MANE Select); coding-DNA position 2262, one base deleted (C; older notation c.2262delC).
Protein change: p.Lys755fs; shifts the reading frame from lysine 755.
Molecular consequence: frameshift variant.
Genome position (GRCh38, 1-based): chr1:99,881,645, C deleted; the last of 3 consecutive C bases (chr1:99,881,643-99,881,645); deleting any one gives the same sequence. VCF-style (leftmost placement, unchanged base first): chr1-99881642-TC-T. GRCh37 (hg19) VCF-style: chr1-100347198-TC-T.
Other names: c.2262del, p.Lys755fs (NM_000028.3, NM_000643.3, NM_000644.3 and 2 more transcripts); c.2214del, p.Lys739fs (NM_000646.3); c.2061del, p.Lys688fs (NM_001425327.1); c.2058del, p.Lys687fs (NM_001425328.1, NM_001425329.1); c.1884del, p.Lys629fs (NM_001425332.1); short protein forms K739fs, K755fs, K629fs, K688fs, K687fs.
Identifiers: ClinVar variation 4720519 (VCV004720519.1).
Genomic context (GRCh38, chr1:99,881,642, plus strand): 5'-AAGACACTCACCTAGCATCCATCAGTCTGTTGTGGCTGTATCTAGAACTGCTTTCAGGAA[TC>T]CCAAGACTTCATTTTACAGCAAGGAAGTGCCTCAAATGTGCATCCCTGGTAATGCAATCT-3'